The following is an entry in ClinVar:

ClinVar aggregate classification (germline): Uncertain significance (1 of 4 stars; one submission).

gnomAD v4.1: 1 of 1,614,208 alleles (0.000062%); highest among the groups gnomAD compares: South Asian, 0.0011%; no homozygotes.

Submission:

Labcorp Genetics (formerly Invitae), Labcorp
Classification: Uncertain significance. Last evaluated: 2019-11-08. Review status: criteria provided, single submitter. Criteria: Invitae Variant Classification Sherloc (09022015). Collection method: clinical testing. Allele origin: germline.
Comment: This variant has not been reported in the literature in individuals with KCNV2-related conditions. Algorithms developed to predict the effect of missense changes on protein structure and function output the following: SIFT: "Tolerated"; PolyPhen-2: "Benign"; Align-GVGD: "Class C0". The serine amino acid residue is found in multiple mammalian species, suggesting that this missense change does not adversely affect protein function. These predictions have not been confirmed by published functional studies and their clinical significance is uncertain. In summary, the available evidence is currently insufficient to determine the role of this variant in disease. Therefore, it has been classified as a Variant of Uncertain Significance. This variant is not present in population databases (ExAC no frequency). This sequence change replaces asparagine with serine at codon 50 of the KCNV2 protein (p.Asn50Ser). The asparagine residue is moderately conserved and there is a small physicochemical difference between asparagine and serine.

NM_133497.4(KCNV2):c.149A>G (p.Asn50Ser)

Gene: KCNV2 (potassium voltage-gated channel modifier subfamily V member 2; plus strand). Cytogenetic location: 9p24.2.
Variant type: single nucleotide variant.
Coding change: c.149A>G on transcript NM_133497.4 (MANE Select); coding-DNA position 149, A replaced by G.
Protein change: p.Asn50Ser; replaces asparagine 50 with serine.
Molecular consequence: missense variant.
Genome position (GRCh38, 1-based): chr9:2,717,888, A>G. VCF-style: chr9-2717888-A-G. GRCh37 (hg19) VCF-style: chr9-2717888-A-G.
Other names: short protein forms N50S.
Identifiers: ClinVar variation 958486 (VCV000958486.9), dbSNP rs770575580, ClinGen allele CA372795804.